The following is an entry in ClinVar:

NM_025000.4(DCAF17):c.1127C>A (p.Ser376Tyr)

Gene: DCAF17 (DDB1 and CUL4 associated factor 17; plus strand). Cytogenetic location: 2q31.1.
Variant type: single nucleotide variant.
Coding change: c.1127C>A on transcript NM_025000.4 (MANE Select); coding-DNA position 1127, C replaced by A.
Protein change: p.Ser376Tyr; replaces serine 376 with tyrosine.
Molecular consequence: missense variant. On other transcripts: non-coding transcript variant (1), intron variant (1).
Genome position (GRCh38, 1-based): chr2:171,476,895, C>A. VCF-style: chr2-171476895-C-A. GRCh37 (hg19) VCF-style: chr2-172333405-C-A.
Other names: c.1127C>A (NM_025000.3); c.982-1092C>A (NM_001164821.2); short protein forms S376Y.
Identifiers: ClinVar variation 1376272 (VCV001376272.9), dbSNP rs761867442, ClinGen allele CA349279042.
Genomic context (GRCh38, chr2:171,476,895, plus strand): 5'-CTCAGAATCCTTTTTCCCTTCTCAGAGTTTTGAAGCTAACTGAAATAGAAAATAATAGTT[C>A]TCAGCATCAGATCTCTGAAGATTTTGTCATTTTGGCCAACAGGGAGAACCATAAAGTAAG-3'
Protein context (NP_079276.2, residues 366-386): LKLTEIENNS[Ser376Tyr]QHQISEDFVI

ClinVar aggregate classification (germline): Uncertain significance. Review status: criteria provided, multiple submitters, no conflicts (2 of 4 stars). 2 submissions from 2 submitters: Uncertain significance (2). Last evaluated 2025-02-17.

Conditions:
Inborn genetic diseases. Identifiers: MedGen C0950123, MeSH D030342.
Woodhouse-Sakati syndrome. Also called: Hypogonadism, Alopecia, Diabetes Mellitus, Mental Retardation, and Extrapyramidal Syndrome; EXTRAPYRAMIDAL DISORDER, PROGRESSIVE, WITH PRIMARY HYPOGONADISM, MENTAL RETARDATION, AND ALOPECIA; Hypogonadism, diabetes mellitus, alopecia, mental retardation and electrocardiographic abnormalities. Identifiers: Orphanet 3464, MedGen C0342286, MONDO:0009419, OMIM 241080.

gnomAD v4.1: 5 of 1,613,710 alleles (0.00031%); highest among the groups gnomAD compares: East Asian, 0.0045%; no homozygotes.

Submissions (2):

Labcorp Genetics (formerly Invitae), Labcorp
Classification: Uncertain significance for Woodhouse-Sakati syndrome. Last evaluated: 2025-02-17. Review status: criteria provided, single submitter. Criteria: Invitae Variant Classification Sherloc (09022015). Collection method: clinical testing. Allele origin: germline.
Comment: This sequence change replaces serine, which is neutral and polar, with tyrosine, which is neutral and polar, at codon 376 of the DCAF17 protein (p.Ser376Tyr). This variant is present in population databases (no rsID available, gnomAD 0.01%). This variant has not been reported in the literature in individuals affected with DCAF17-related conditions. ClinVar contains an entry for this variant (Variation ID: 1376272). Invitae Evidence Modeling of protein sequence and biophysical properties (such as structural, functional, and spatial information, amino acid conservation, physicochemical variation, residue mobility, and thermodynamic stability) indicates that this missense variant is not expected to disrupt DCAF17 protein function with a negative predictive value of 80%. In summary, the available evidence is currently insufficient to determine the role of this variant in disease. Therefore, it has been classified as a Variant of Uncertain Significance.

Ambry Genetics
Classification: Uncertain significance for Inborn genetic diseases. Last evaluated: 2024-12-14. Review status: criteria provided, single submitter. Criteria: Ambry Variant Classification Scheme 2023. Collection method: clinical testing. Allele origin: germline.